The following is an entry in ClinVar:

ClinVar aggregate classification (germline): Uncertain significance (1 of 4 stars; one submission).

Conditions:
Charcot-Marie-Tooth disease type 2. Also called: Charcot-Marie-Tooth type 2. Identifiers: Orphanet 64746, MedGen C0270914, MONDO:0018993.

gnomAD v4.1: 1 of 1,612,894 alleles (0.000062%); highest among the groups gnomAD compares: African/African-American, 0.0013%; no homozygotes.

Submission:

Labcorp Genetics (formerly Invitae), Labcorp
Classification: Uncertain significance for Charcot-Marie-Tooth disease type 2. Last evaluated: 2023-04-08. Review status: criteria provided, single submitter. Criteria: Invitae Variant Classification Sherloc (09022015). Collection method: clinical testing. Allele origin: germline.
Comment: This sequence change replaces proline, which is neutral and non-polar, with threonine, which is neutral and polar, at codon 201 of the MED25 protein (p.Pro201Thr). In summary, the available evidence is currently insufficient to determine the role of this variant in disease. Therefore, it has been classified as a Variant of Uncertain Significance. An algorithm developed to predict the effect of missense changes on protein structure and function (PolyPhen-2) suggests that this variant is likely to be disruptive. This variant has not been reported in the literature in individuals affected with MED25-related conditions. This variant is present in population databases (no rsID available, gnomAD 0.01%).

NM_030973.4(MED25):c.601C>A (p.Pro201Thr)

Gene: MED25 (mediator complex subunit 25; plus strand). Cytogenetic location: 19q13.33.
Variant type: single nucleotide variant.
Coding change: c.601C>A on transcript NM_030973.4 (MANE Select); coding-DNA position 601, C replaced by A.
Protein change: p.Pro201Thr; replaces proline 201 with threonine.
Molecular consequence: missense variant.
Genome position (GRCh38, 1-based): chr19:49,829,861, C>A. VCF-style: chr19-49829861-C-A. GRCh37 (hg19) VCF-style: chr19-50333118-C-A.
Other names: c.601C>A, p.Pro201Thr (NM_001378355.1); short protein forms P201T.
Identifiers: ClinVar variation 2877787 (VCV002877787.3), dbSNP rs149611039, ClinGen allele CA406913155.